The following is an entry in ClinVar:

NM_016507.4(CDK12):c.1298G>A (p.Ser433Asn)

Gene: CDK12 (cyclin dependent kinase 12; plus strand). Cytogenetic location: 17q12.
Variant type: single nucleotide variant.
Coding change: c.1298G>A on transcript NM_016507.4 (MANE Select); coding-DNA position 1298, G replaced by A.
Protein change: p.Ser433Asn; replaces serine 433 with asparagine.
Molecular consequence: missense variant.
Genome position (GRCh38, 1-based): chr17:39,471,130, G>A. VCF-style: chr17-39471130-G-A. GRCh37 (hg19) VCF-style: chr17-37627383-G-A.
Other names: c.1298G>A, p.Ser433Asn (NM_015083.4); short protein forms S433N.
Identifiers: ClinVar variation 4224454 (VCV004224454.1).
Genomic context (GRCh38, chr17:39,471,130, plus strand): 5'-CAAAGATGGATGGAAAGGAGTCCAAGGGTTCACCTGTATTTTTGCCTAGAAAAGAGAACA[G>A]TTCAGTAGAGGCTAAGGATTCAGGTTTGGAGTCTAAAAAGTTACCCAGAAGTGTAAAATT-3'
Protein context (NP_057591.2, residues 423-443): SPVFLPRKEN[Ser433Asn]SVEAKDSGLE

ClinVar aggregate classification (germline): Uncertain significance (1 of 4 stars; one submission).

gnomAD v4.1: 1 of 1,600,022 alleles (0.000062%); highest among the groups gnomAD compares: Non-Finnish European, 0.000085%; no homozygotes.

Submission:

Ambry Genetics
Classification: Uncertain significance. Last evaluated: 2025-09-10. Review status: criteria provided, single submitter. Criteria: Ambry Variant Classification Scheme 2023. Collection method: clinical testing. Allele origin: germline.
Comment: The p.S433N variant (also known as c.1298G>A), located in coding exon 2 of the CDK12 gene, results from a G to A substitution at nucleotide position 1298. The serine at codon 433 is replaced by asparagine, an amino acid with highly similar properties. This amino acid position is conserved. In addition, this alteration is predicted to be tolerated by in silico analysis. Based on the available evidence, the clinical significance of this variant remains unclear.